The following is an entry in ClinVar:

NM_001079866.2(BCS1L):c.326G>A (p.Arg109Gln)

Gene: BCS1L (BCS1 ubiquinol-cytochrome c reductase complex chaperone; plus strand). Cytogenetic location: 2q35.
Variant type: single nucleotide variant.
Coding change: c.326G>A on transcript NM_001079866.2 (MANE Select); coding-DNA position 326, G replaced by A.
Protein change: p.Arg109Gln; replaces arginine 109 with glutamine.
Molecular consequence: missense variant. On other transcripts: 5 prime UTR variant (7), non-coding transcript variant (1), intron variant (1).
Genome position (GRCh38, 1-based): chr2:218,661,411, G>A. VCF-style: chr2-218661411-G-A. GRCh37 (hg19) VCF-style: chr2-219526134-G-A.
Other names: c.326G>A, p.Arg109Gln (NM_001257342.2, NM_001257343.2, NM_001257344.2 and 10 more transcripts); c.-35G>A (NM_001318836.2, NM_001371451.1); c.-151G>A (NM_001371453.1, NM_001371454.1, NM_001371455.1 and 2 more transcripts); c.-41-348G>A (NM_001371452.1); short protein forms R109Q.
Identifiers: ClinVar variation 2045589 (VCV002045589.7), dbSNP rs149382836, ClinGen allele CA2109646.

ClinVar aggregate classification (germline): Conflicting classifications of pathogenicity. Review status: criteria provided, conflicting classifications (1 of 4 stars). 3 submissions from 3 submitters: Uncertain significance (1); Likely benign (2). Last evaluated 2026-01-24.

Conditions:
Inborn genetic diseases. Identifiers: MedGen C0950123, MeSH D030342.

Allele frequency attached by ClinVar (database versions not stated): gnomAD exomes 0.00004; ExAC 0.00011; 1000 Genomes Project 30x 0.00016; 1000 Genomes Project 0.00020; gnomAD 0.00025; TOPMed 0.00037; ESP Exome Variant Server 0.00038.

Submissions (4):

Labcorp Genetics (formerly Invitae), Labcorp
Classification: Likely benign. Last evaluated: 2026-01-24. Review status: criteria provided, single submitter. Criteria: Invitae Variant Classification Sherloc (09022015). Collection method: clinical testing. Allele origin: germline.

GeneDx
Classification: Uncertain significance. Last evaluated: 2023-10-05. Review status: criteria provided, single submitter. Criteria: GeneDx Variant Classification Process June 2021. Collection method: clinical testing. Allele origin: germline. Affected: yes.
Comment: In silico analysis supports that this missense variant does not alter protein structure/function; Has not been previously published as pathogenic or benign to our knowledge; A different missense change at this residue (R109W) has been reported as likely pathogenic in the published literature in association with BCS1L-related mitochondrial complex III deficiency (Olhov M et al., 2019); This variant is associated with the following publications: (PMID: 31435670)

Ambry Genetics
Classification: Likely benign for Inborn genetic diseases. Last evaluated: 2023-03-20. Review status: criteria provided, single submitter. Criteria: Ambry Variant Classification Scheme 2023. Collection method: clinical testing. Allele origin: germline.

Dr. Peter K. Rogan Lab, Western University
No classification provided (evidence only). Condition: Colorectal cancer. Review status: no classification provided. Collection method: in vitro. Allele origin: not applicable. Functional consequence: retained intron. Not counted in ClinVar's aggregate classification.